The following is an entry in ClinVar:

NM_024675.4(PALB2):c.2293_2294dup (p.Asp765fs)

Gene: PALB2 (partner and localizer of BRCA2; minus strand). Cytogenetic location: 16p12.2.
Variant type: Duplication.
Coding change: c.2293_2294dup on transcript NM_024675.4 (MANE Select); coding-DNA positions 2293 to 2294, 2 bases duplicated (GA; older notation c.2293_2294dupGA).
Protein change: p.Asp765fs; shifts the reading frame from aspartic acid 765.
Molecular consequence: frameshift variant. On other transcripts: intron variant (1).
Genome position (GRCh38, 1-based): chr16:23,629,860-23,629,861, TC duplicated on the plus strand (GA on the coding strand, the reverse complement: PALB2 is on the minus strand); duplicating any 2 consecutive bases within chr16:23,629,860-23,629,862 gives the same sequence; the c. name uses the placement nearest the transcript's 3' end. VCF-style (leftmost placement, unchanged base first): chr16-23629859-G-GTC. GRCh37 (hg19) VCF-style: chr16-23641180-G-GTC.
Other names: c.2233_2234dup, p.Asp745fs (NM_001407296.1); c.2293_2294dup, p.Asp765fs (NM_001407297.1, NM_001407298.1, NM_001407299.1 and 3 more transcripts); c.1408_1409dup, p.Asp470fs (NM_001407304.1, NM_001407305.1, NM_001407306.1 and 5 more transcripts); c.505_506dup, p.Asp169fs (NM_001407312.1, NM_001407313.1); c.49-586_49-585dup (NM_001407314.1); c.2293_2294dup (NM_024675.3); c.2293_2294dupGA (NM_024675.3); short protein forms D169fs, D470fs, D745fs, D765fs.
Identifiers: ClinVar variation 2691229 (VCV002691229.3), dbSNP rs2506412889, ClinGen allele CA2697555720.

ClinVar aggregate classification (germline): Pathogenic/Likely pathogenic. Review status: criteria provided, multiple submitters, no conflicts (2 of 4 stars). 3 submissions from 3 submitters: Pathogenic (2); Likely pathogenic (1). Last evaluated 2025-09-16.

Conditions:
Hereditary cancer-predisposing syndrome. Also called: Neoplastic Syndromes, Hereditary; Hereditary Cancer Syndrome; Tumor predisposition; Hereditary neoplastic syndrome. Identifiers: Orphanet 140162, MedGen C0027672, MeSH D009386, MONDO:0015356.
Breast and/or ovarian cancer. Identifiers: MedGen CN221562.

Submissions (3):

Color Diagnostics, LLC DBA Color Health
Classification: Pathogenic for Hereditary cancer-predisposing syndrome. Last evaluated: 2025-09-16. Review status: criteria provided, single submitter. Criteria: ACMG Guidelines, 2015. Collection method: clinical testing. Allele origin: germline.
Comment: This variant inserts 2 nucleotides in exon 5 of the PALB2 gene, creating a frameshift and premature translation stop signal. This variant is expected to result in an absent or non-functional protein product. To our knowledge, this variant has not been reported in individuals affected with PALB2-related disorders in the literature. This variant has not been identified in the general population by the Genome Aggregation Database (gnomAD). Loss of PALB2 function is a known mechanism of disease. Based on the available evidence, this variant is classified as Pathogenic.

Ambry Genetics
Classification: Pathogenic for Hereditary cancer-predisposing syndrome. Last evaluated: 2024-11-20. Review status: criteria provided, single submitter. Criteria: Ambry Variant Classification Scheme 2023. Collection method: clinical testing. Allele origin: germline.
Comment: The c.2293_2294dupGA pathogenic mutation, located in coding exon 5 of the PALB2 gene, results from a duplication of GA at nucleotide position 2293, causing a translational frameshift with a predicted alternate stop codon (p.D765Efs*87). This alteration is expected to result in loss of function by premature protein truncation or nonsense-mediated mRNA decay. This variant is considered to be rare based on population cohorts in the Genome Aggregation Database (gnomAD). As such, this alteration is interpreted as a disease-causing mutation.

CHEO Genetics Diagnostic Laboratory, Children's Hospital of Eastern Ontario
Classification: Likely pathogenic for Breast and/or ovarian cancer. Last evaluated: 2023-01-05. Review status: criteria provided, single submitter. Criteria: ACMG Guidelines, 2015. Collection method: clinical testing. Allele origin: germline.